The following is an entry in ClinVar:

ClinVar aggregate classification (germline): Uncertain significance. Review status: criteria provided, multiple submitters, no conflicts (2 of 4 stars). 2 submissions from 2 submitters: Uncertain significance (2). Last evaluated 2025-07-25.

Conditions:
Hereditary cancer-predisposing syndrome. Also called: Hereditary Cancer Syndrome; Neoplastic Syndromes, Hereditary; Tumor predisposition; Hereditary neoplastic syndrome. Identifiers: Orphanet 140162, MedGen C0027672, MeSH D009386, MONDO:0015356.

Submissions (2):

Ambry Genetics
Classification: Uncertain significance for Hereditary cancer-predisposing syndrome. Last evaluated: 2025-07-25. Review status: criteria provided, single submitter. Criteria: Ambry Variant Classification Scheme 2023. Collection method: clinical testing. Allele origin: germline.
Comment: The p.R19P variant (also known as c.56G>C), located in coding exon 1 of the NTHL1 gene, results from a G to C substitution at nucleotide position 56. The arginine at codon 19 is replaced by proline, an amino acid with dissimilar properties. This amino acid position is conserved. In addition, the in silico prediction for this alteration is inconclusive. Since supporting evidence is limited at this time, the clinical significance of this alteration remains unclear.

Labcorp Genetics (formerly Invitae), Labcorp
Classification: Uncertain significance. Last evaluated: 2025-05-12. Review status: criteria provided, single submitter. Criteria: Invitae Variant Classification Sherloc (09022015). Collection method: clinical testing. Allele origin: germline.
Comment: This sequence change replaces arginine, which is basic and polar, with proline, which is neutral and non-polar, at codon 19 of the NTHL1 protein (p.Arg19Pro). This variant is not present in population databases (gnomAD no frequency). This variant has not been reported in the literature in individuals affected with NTHL1-related conditions. ClinVar contains an entry for this variant (Variation ID: 1023870). An algorithm developed to predict the effect of missense changes on protein structure and function (PolyPhen-2) suggests that this variant is likely to be disruptive. In summary, the available evidence is currently insufficient to determine the role of this variant in disease. Therefore, it has been classified as a Variant of Uncertain Significance.

NM_002528.7(NTHL1):c.32G>C (p.Arg11Pro)

Gene: NTHL1 (nth like DNA glycosylase 1; minus strand). Cytogenetic location: 16p13.3.
Variant type: single nucleotide variant.
Coding change: c.32G>C on transcript NM_002528.7 (MANE Select); coding-DNA position 32, G replaced by C.
Protein change: p.Arg11Pro; replaces arginine 11 with proline.
Molecular consequence: missense variant. On other transcripts: 5 prime UTR variant (1).
Genome position (GRCh38, 1-based): chr16:2,047,792, C>G on the plus strand (G>C on the coding strand, the complement: NTHL1 is on the minus strand). VCF-style: chr16-2047792-C-G. GRCh37 (hg19) VCF-style: chr16-2097793-C-G.
Other names: c.32G>C, p.Arg11Pro (NM_001318193.2); c.-147G>C (NM_001318194.2); short protein forms R11P.
Identifiers: ClinVar variation 1023870 (VCV001023870.10), dbSNP rs372992221, ClinGen allele CA394298563.
Genomic context (GRCh38, chr16:2,047,792, plus strand): 5'-AGAGGCCCGGGCTCCTCCCTACACCCCCGCGGCCCAGCCCCGGGTCCCAGGCTCCGGCTC[C>G]GGGTCAGCATCCTCGCGCTCAAGGCGGTCATGCCGGACTCCTGCGGACTACACATCCCGG-3'
Protein context (NP_002519.2, residues 1-21): MTALSARMLT[Arg11Pro]SRSLGPGAGP